The following is an entry in ClinVar:

ClinVar aggregate classification (germline): Uncertain significance (1 of 4 stars; one submission).

Conditions:
Long QT syndrome (LQTS). Identifiers: MedGen C0023976, MeSH D008133, MONDO:0002442. Disease mechanism: loss of function. Inheritance: Various modes of inheritance.

Allele frequency attached by ClinVar (database versions not stated): gnomAD exomes below 0.00001 and 0.00001; TOPMed below 0.00001; ExAC 0.00001.
gnomAD v4.1: 3 of 1,614,164 alleles (0.00019%); highest among the groups gnomAD compares: South Asian, 0.0011%; no homozygotes.

Submission:

Labcorp Genetics (formerly Invitae), Labcorp
Classification: Uncertain significance for Long QT syndrome. Last evaluated: 2024-05-31. Review status: criteria provided, single submitter. Criteria: Invitae Variant Classification Sherloc (09022015). Collection method: clinical testing. Allele origin: germline.
Comment: This sequence change replaces methionine, which is neutral and non-polar, with valine, which is neutral and non-polar, at codon 884 of the ANK2 protein (p.Met884Val). This variant is present in population databases (rs769599000, gnomAD 0.006%). This variant has not been reported in the literature in individuals affected with ANK2-related conditions. ClinVar contains an entry for this variant (Variation ID: 1042923). Algorithms developed to predict the effect of missense changes on protein structure and function output the following: SIFT: "Not Available"; PolyPhen-2: "Benign"; Align-GVGD: "Not Available". The valine amino acid residue is found in multiple mammalian species, which suggests that this missense change does not adversely affect protein function. In summary, the available evidence is currently insufficient to determine the role of this variant in disease. Therefore, it has been classified as a Variant of Uncertain Significance.

NM_001148.6(ANK2):c.2650A>G (p.Met884Val)

Gene: ANK2 (ankyrin 2; plus strand). Cytogenetic location: 4q26.
Variant type: single nucleotide variant.
Coding change: c.2650A>G on transcript NM_001148.6 (MANE Select); coding-DNA position 2650, A replaced by G.
Protein change: p.Met884Val; replaces methionine 884 with valine.
Molecular consequence: missense variant.
Genome position (GRCh38, 1-based): chr4:113,311,356, A>G. VCF-style: chr4-113311356-A-G. GRCh37 (hg19) VCF-style: chr4-114232512-A-G.
Other names: c.2587A>G, p.Met863Val (NM_001127493.3, NM_001354239.2, NM_001354243.2 and 10 more transcripts); c.2650A>G, p.Met884Val (NM_001354225.2, NM_001354228.2, NM_001354232.2 and 6 more transcripts); c.2695A>G, p.Met899Val (NM_001354230.2, NM_001354231.2, NM_001354237.2 and 5 more transcripts); c.2551A>G, p.Met851Val (NM_001354245.2, NM_001354268.2); c.2563A>G, p.Met855Val (NM_001354249.2, NM_001354264.2, NM_001354266.2 and 10 more transcripts); c.2488A>G, p.Met830Val (NM_001354253.2, NM_001354257.2, NM_001354270.2 and 1 more transcripts); c.2464A>G, p.Met822Val (NM_001354260.2, NM_001354271.2, NM_001386151.1); c.2608A>G, p.Met870Val (NM_001354261.2, NM_001386147.1, NM_001386160.1); and 9 more; short protein forms M814V, M855V, M863V, M872V, M884V, M756V, M818V, M870V.
Identifiers: ClinVar variation 1042923 (VCV001042923.5), dbSNP rs769599000, ClinGen allele CA3050626.